The following is an entry in ClinVar:

ClinVar aggregate classification (germline): Pathogenic/Likely pathogenic. Review status: criteria provided, multiple submitters, no conflicts (2 of 4 stars). 2 submissions from 2 submitters: Pathogenic (1); Likely pathogenic (1). Last evaluated 2023-12-12.

Conditions:
Neurofibromatosis, type 1 (NF1). Also called: VON RECKLINGHAUSEN DISEASE; Peripheral type neurofibromatosis; NEUROFIBROMATOSIS, TYPE I, SOMATIC; Neurofibromatosis, type I. Identifiers: Orphanet 636, MedGen C0027831, MONDO:0018975, OMIM 162200. Disease mechanism: loss of function.

Submissions (2):

Labcorp Genetics (formerly Invitae), Labcorp
Classification: Pathogenic for Neurofibromatosis, type 1. Last evaluated: 2023-12-12. Review status: criteria provided, single submitter. Criteria: Invitae Variant Classification Sherloc (09022015). Collection method: clinical testing. Allele origin: germline.
Comment: This sequence change replaces leucine, which is neutral and non-polar, with proline, which is neutral and non-polar, at codon 2317 of the NF1 protein (p.Leu2317Pro). This variant is not present in population databases (gnomAD no frequency). This missense change has been observed in individual(s) with NF1-related conditions (PMID: 10534774, 27322474). In at least one individual the variant was observed to be de novo. ClinVar contains an entry for this variant (Variation ID: 1070418). Advanced modeling of protein sequence and biophysical properties (such as structural, functional, and spatial information, amino acid conservation, physicochemical variation, residue mobility, and thermodynamic stability) performed at Invitae indicates that this missense variant is expected to disrupt NF1 protein function with a positive predictive value of 95%. For these reasons, this variant has been classified as Pathogenic.

GeneDx
Classification: Likely pathogenic. Last evaluated: 2023-08-10. Review status: criteria provided, single submitter. Criteria: GeneDx Variant Classification Process June 2021. Collection method: clinical testing. Allele origin: germline. Affected: yes.
Comment: Not observed at significant frequency in large population cohorts (gnomAD); In silico analysis supports that this missense variant has a deleterious effect on protein structure/function; Published functional studies demonstrate impaired inhibition of GTP-Ras activity (Long et al., 2022); This variant is associated with the following publications: (PMID: 10534774, 25486365, 10712197, 27322474, 34694046)

Literature cited by the submitters: PubMed 10534774 (cited by Labcorp Genetics (formerly Invitae), Labcorp); PubMed 27322474 (cited by Labcorp Genetics (formerly Invitae), Labcorp).

NM_001042492.3(NF1):c.7013T>C (p.Leu2338Pro)

Gene: NF1 (neurofibromin 1; plus strand). Cytogenetic location: 17q11.2.
Variant type: single nucleotide variant.
Coding change: c.7013T>C on transcript NM_001042492.3 (MANE Select); coding-DNA position 7013, T replaced by C.
Protein change: p.Leu2338Pro; replaces leucine 2338 with proline.
Molecular consequence: missense variant.
Genome position (GRCh38, 1-based): chr17:31,340,596, T>C. VCF-style: chr17-31340596-T-C. GRCh37 (hg19) VCF-style: chr17-29667614-T-C.
Other names: c.6950T>C, p.Leu2317Pro (NM_000267.4); short protein forms L2317P, L2338P.
Identifiers: ClinVar variation 1070418 (VCV001070418.6), dbSNP rs2151561836, ClinGen allele CA399015032.
Genomic context (GRCh38, chr17:31,340,596, plus strand): 5'-TAGCTGTGGCTGTGCTGCAGCTTGATGAGGTCAACTTGTATTCAGCAGGTACCGCACTTC[T>C]TGAACAAAACCTGCATACTTTAGATAGTCTCCGTATATTCAATGACAAGGTAAGCAAACT-3'
Protein context (NP_001035957.1, residues 2328-2348): VNLYSAGTAL[Leu2338Pro]EQNLHTLDSL